The following is an entry in ClinVar:

ClinVar aggregate classification (germline): Uncertain significance. Review status: criteria provided, multiple submitters, no conflicts (2 of 4 stars). 2 submissions from 2 submitters: Uncertain significance (2). Last evaluated 2021-12-15.

Conditions:
Predisposition to invasive fungal disease due to CARD9 deficiency (IMD103). Also called: CARD9 IMMUNODEFICIENCY; Candidiasis, familial, 2, autosomal recessive; IMMUNODEFICIENCY 103, SUSCEPTIBILITY TO FUNGAL INFECTIONS. Identifiers: Orphanet 457088, MedGen C1859353, MONDO:0008905, OMIM 212050.

Allele frequency attached by ClinVar (database versions not stated): gnomAD 0.00003; TOPMed 0.00006; ESP Exome Variant Server 0.00015.
gnomAD v4.1: 15 of 1,612,634 alleles (0.00093%); highest among the groups gnomAD compares: African/African-American, 0.0093%; no homozygotes.

Submissions (2):

Labcorp Genetics (formerly Invitae), Labcorp
Classification: Uncertain significance for Predisposition to invasive fungal disease due to CARD9 deficiency. Last evaluated: 2021-12-15. Review status: criteria provided, single submitter. Criteria: Invitae Variant Classification Sherloc (09022015). Collection method: clinical testing. Allele origin: germline.
Comment: This sequence change replaces glutamic acid, which is acidic and polar, with lysine, which is basic and polar, at codon 326 of the CARD9 protein (p.Glu326Lys). This variant is present in population databases (rs143669690, gnomAD 0.008%). This variant has not been reported in the literature in individuals affected with CARD9-related conditions. ClinVar contains an entry for this variant (Variation ID: 365841). Algorithms developed to predict the effect of missense changes on protein structure and function are either unavailable or do not agree on the potential impact of this missense change (SIFT: "Deleterious"; PolyPhen-2: "Benign"; Align-GVGD: "Class C0"). In summary, the available evidence is currently insufficient to determine the role of this variant in disease. Therefore, it has been classified as a Variant of Uncertain Significance.

Illumina Laboratory Services, Illumina
Classification: Uncertain significance for Predisposition to invasive fungal disease due to CARD9 deficiency. Last evaluated: 2018-01-12. Review status: criteria provided, single submitter. Criteria: ICSL Variant Classification Criteria 13 December 2019. Collection method: clinical testing. Allele origin: germline.

NM_052813.5(CARD9):c.976G>A (p.Glu326Lys)

Gene: CARD9 (caspase recruitment domain family member 9; minus strand). Cytogenetic location: 9q34.3.
Variant type: single nucleotide variant.
Coding change: c.976G>A on transcript NM_052813.5 (MANE Select); coding-DNA position 976, G replaced by A.
Protein change: p.Glu326Lys; replaces glutamic acid 326 with lysine.
Molecular consequence: missense variant.
Genome position (GRCh38, 1-based): chr9:136,369,851, C>T on the plus strand (G>A on the coding strand, the complement: CARD9 is on the minus strand). VCF-style: chr9-136369851-C-T. GRCh37 (hg19) VCF-style: chr9-139264303-C-T.
Other names: c.976G>A, p.Glu326Lys (NM_052814.4); short protein forms E326K.
Identifiers: ClinVar variation 365841 (VCV000365841.6), dbSNP rs143669690, ClinGen allele CA5332885.